The following is an entry in ClinVar:

NM_176869.3(PPA2):c.653A>G (p.His218Arg)

Gene: PPA2 (inorganic pyrophosphatase 2; minus strand). Cytogenetic location: 4q24.
Variant type: single nucleotide variant.
Coding change: c.653A>G on transcript NM_176869.3 (MANE Select); coding-DNA position 653, A replaced by G.
Protein change: p.His218Arg; replaces histidine 218 with arginine.
Molecular consequence: missense variant. On other transcripts: intron variant (1).
Genome position (GRCh38, 1-based): chr4:105,424,198, T>C on the plus strand (A>G on the coding strand, the complement: PPA2 is on the minus strand). VCF-style: chr4-105424198-T-C. GRCh37 (hg19) VCF-style: chr4-106345355-T-C.
Other names: c.566A>G, p.His189Arg (NM_006903.4); c.347A>G, p.His116Arg (NM_176866.2); c.158-25034A>G (NM_176867.3); c.653A>G (NM_176869.2); short protein forms H218R, H116R, H189R.
Identifiers: ClinVar variation 1354163 (VCV001354163.9), dbSNP rs746773886, ClinGen allele CA102771694.

ClinVar aggregate classification (germline): Uncertain significance. Review status: criteria provided, multiple submitters, no conflicts (2 of 4 stars). 2 submissions from 2 submitters: Uncertain significance (2). Last evaluated 2023-03-27.

Conditions:
Inborn genetic diseases. Identifiers: MedGen C0950123, MeSH D030342.

Allele frequency attached by ClinVar (database versions not stated): gnomAD exomes below 0.00001 and 0.00001; TOPMed below 0.00001; gnomAD 0.00001.
gnomAD v4.1: 6 of 1,601,120 alleles (0.00037%); highest among the groups gnomAD compares: East Asian, 0.0023%; no homozygotes.

Submissions (2):

Ambry Genetics
Classification: Uncertain significance for Inborn genetic diseases. Last evaluated: 2023-03-27. Review status: criteria provided, single submitter. Criteria: Ambry Variant Classification Scheme 2023. Collection method: clinical testing. Allele origin: germline.

Labcorp Genetics (formerly Invitae), Labcorp
Classification: Uncertain significance. Last evaluated: 2022-03-18. Review status: criteria provided, single submitter. Criteria: Invitae Variant Classification Sherloc (09022015). Collection method: clinical testing. Allele origin: germline.
Comment: In summary, the available evidence is currently insufficient to determine the role of this variant in disease. Therefore, it has been classified as a Variant of Uncertain Significance. This sequence change replaces histidine, which is basic and polar, with arginine, which is basic and polar, at codon 218 of the PPA2 protein (p.His218Arg). The frequency data for this variant in the population databases is considered unreliable, as metrics indicate poor data quality at this position in the gnomAD database. This variant has not been reported in the literature in individuals affected with PPA2-related conditions. Algorithms developed to predict the effect of missense changes on protein structure and function output the following: SIFT: "Deleterious"; PolyPhen-2: "Benign"; Align-GVGD: "Class C0". The arginine amino acid residue is found in multiple mammalian species, which suggests that this missense change does not adversely affect protein function.